The following is an entry in ClinVar:

NM_005560.6(LAMA5):c.7682G>A (p.Arg2561Gln)

Gene: LAMA5 (laminin subunit alpha 5; minus strand). Cytogenetic location: 20q13.33.
Variant type: single nucleotide variant.
Coding change: c.7682G>A on transcript NM_005560.6 (MANE Select); coding-DNA position 7682, G replaced by A.
Protein change: p.Arg2561Gln; replaces arginine 2561 with glutamine.
Molecular consequence: missense variant.
Genome position (GRCh38, 1-based): chr20:62,316,745, C>T on the plus strand (G>A on the coding strand, the complement: LAMA5 is on the minus strand). VCF-style: chr20-62316745-C-T. GRCh37 (hg19) VCF-style: chr20-60891801-C-T.
Other names: c.7682G>A (NM_005560.4, NM_005560.3); short protein forms R2561Q.
Identifiers: ClinVar variation 1586282 (VCV001586282.11), dbSNP rs200959437, ClinGen allele CA9941083.

ClinVar aggregate classification (germline): Likely benign. Review status: criteria provided, multiple submitters, no conflicts (2 of 4 stars). 3 submissions from 3 submitters: Likely benign (2). 1 of the submissions does not count toward it. Last evaluated 2026-01-24.

Conditions:
LAMA5-related disorder. Also called: LAMA5-related condition; LAMA5-Related Disorders.
Inborn genetic diseases. Identifiers: MedGen C0950123, MeSH D030342.

Allele frequency attached by ClinVar (database versions not stated): ESP Exome Variant Server 0.00008; gnomAD 0.00018 and 0.00026; gnomAD exomes 0.00019 and 0.00046; TOPMed 0.00030; ExAC 0.00048; 1000 Genomes Project 0.00160; 1000 Genomes Project 30x 0.00187.
gnomAD v4.1: 321 of 1,608,502 alleles (0.02%); highest among the groups gnomAD compares: East Asian, 0.28%; no homozygotes.

Submissions (3):

Labcorp Genetics (formerly Invitae), Labcorp
Classification: Likely benign. Last evaluated: 2026-01-24. Review status: criteria provided, single submitter. Criteria: Invitae Variant Classification Sherloc (09022015). Collection method: clinical testing. Allele origin: germline.

Ambry Genetics
Classification: Likely benign for Inborn genetic diseases. Last evaluated: 2024-09-06. Review status: criteria provided, single submitter. Criteria: Ambry Variant Classification Scheme 2023. Collection method: clinical testing. Allele origin: germline.

PreventionGenetics, part of Exact Sciences
Classification: Likely benign for LAMA5-related condition. Last evaluated: 2022-06-30. Review status: no assertion criteria provided. Collection method: clinical testing. Allele origin: germline. Not counted in ClinVar's aggregate classification.
Comment: This variant is classified as likely benign based on ACMG/AMP sequence variant interpretation guidelines (Richards et al. 2015 PMID: 25741868, with internal and published modifications).